The following is an entry in ClinVar:

NM_001042492.3(NF1):c.1183A>C (p.Lys395Gln)

Gene: NF1 (neurofibromin 1; plus strand). Cytogenetic location: 17q11.2.
Variant type: single nucleotide variant.
Coding change: c.1183A>C on transcript NM_001042492.3 (MANE Select); coding-DNA position 1183, A replaced by C.
Protein change: p.Lys395Gln; replaces lysine 395 with glutamine.
Molecular consequence: missense variant.
Genome position (GRCh38, 1-based): chr17:31,201,157, A>C. VCF-style: chr17-31201157-A-C. GRCh37 (hg19) VCF-style: chr17-29528175-A-C.
Other names: c.1183A>C, p.Lys395Gln (NM_000267.4, NM_001128147.3); short protein forms K395Q.
Identifiers: ClinVar variation 1007112 (VCV001007112.5), dbSNP rs770767889, ClinGen allele CA398997352.

ClinVar aggregate classification (germline): Uncertain significance (1 of 4 stars; one submission).

Conditions:
Neurofibromatosis, type 1 (NF1). Also called: NEUROFIBROMATOSIS, TYPE I, SOMATIC; Peripheral type neurofibromatosis; VON RECKLINGHAUSEN DISEASE; Neurofibromatosis, type I. Identifiers: Orphanet 636, MedGen C0027831, MONDO:0018975, OMIM 162200. Disease mechanism: loss of function.

Submission:

Labcorp Genetics (formerly Invitae), Labcorp
Classification: Uncertain significance for Neurofibromatosis, type 1. Last evaluated: 2020-08-20. Review status: criteria provided, single submitter. Criteria: Invitae Variant Classification Sherloc (09022015). Collection method: clinical testing. Allele origin: germline.
Comment: This variant is not present in population databases (ExAC no frequency). This sequence change replaces lysine with glutamine at codon 395 of the NF1 protein (p.Lys395Gln). The lysine residue is highly conserved and there is a small physicochemical difference between lysine and glutamine. This variant has not been reported in the literature in individuals with NF1-related conditions. In summary, the available evidence is currently insufficient to determine the role of this variant in disease. Therefore, it has been classified as a Variant of Uncertain Significance. Algorithms developed to predict the effect of sequence changes on RNA splicing suggest that this variant may create or strengthen a splice site, but this prediction has not been confirmed by published transcriptional studies. Algorithms developed to predict the effect of missense changes on protein structure and function are either unavailable or do not agree on the potential impact of this missense change (SIFT: "Tolerated"; PolyPhen-2: "Probably Damaging"; Align-GVGD: "Class C0").